The following is an entry in ClinVar:

ClinVar aggregate classification (germline): Benign/Likely benign. Review status: criteria provided, multiple submitters, no conflicts (2 of 4 stars). 2 submissions from 2 submitters: Benign (1); Likely benign (1). Last evaluated 2024-12-17.

Conditions:
CREBBP-related disorder. Also called: CREBBP-related condition; CREBBP-related disorders.
Rubinstein-Taybi syndrome (RSTS). Identifiers: Orphanet 783, MedGen C0035934, MONDO:0019188.

Allele frequency attached by ClinVar (database versions not stated): gnomAD exomes 0.00001; ExAC 0.00002; gnomAD 0.00002; TOPMed 0.00003; ESP Exome Variant Server 0.00008.
gnomAD v4.1: 21 of 1,612,248 alleles (0.0013%); highest among the groups gnomAD compares: South Asian, 0.0099%; no homozygotes.

Submissions (2):

PreventionGenetics, part of Exact Sciences
Classification: Likely benign for CREBBP-related condition. Last evaluated: 2024-12-17. Review status: criteria provided, single submitter. Criteria: ACMG Guidelines, 2015. Collection method: clinical testing. Allele origin: germline.
Comment: This variant is classified as likely benign based on ACMG/AMP sequence variant interpretation guidelines (Richards et al. 2015 PMID: 25741868, with internal and published modifications).

Labcorp Genetics (formerly Invitae), Labcorp
Classification: Benign for Rubinstein-Taybi syndrome. Last evaluated: 2023-03-25. Review status: criteria provided, single submitter. Criteria: Invitae Variant Classification Sherloc (09022015). Collection method: clinical testing. Allele origin: germline.

NM_004380.3(CREBBP):c.2361G>A (p.Ala787=)

Gene: CREBBP (CREB binding lysine acetyltransferase; minus strand). Cytogenetic location: 16p13.3.
Variant type: single nucleotide variant.
Coding change: c.2361G>A on transcript NM_004380.3 (MANE Select); coding-DNA position 2361, G replaced by A.
Protein change: p.Ala787=; no amino-acid change (alanine 787 retained).
Molecular consequence: synonymous variant.
Genome position (GRCh38, 1-based): chr16:3,773,853, C>T on the plus strand (G>A on the coding strand, the complement: CREBBP is on the minus strand). VCF-style: chr16-3773853-C-T. GRCh37 (hg19) VCF-style: chr16-3823854-C-T.
Other names: c.2247G>A, p.Ala749= (NM_001079846.1); c.2361G>A (NM_004380.2).
Identifiers: ClinVar variation 2172391 (VCV002172391.5), dbSNP rs112526570, ClinGen allele CA7870154.